The following is an entry in ClinVar:

ClinVar aggregate classification (germline): Benign. Review status: reviewed by expert panel (3 of 4 stars). 8 submissions from 8 submitters: Benign (1). 7 of the submissions do not count toward it. Last evaluated 2026-11-20.

Conditions:
RPGR-related retinopathy. Also called: RPGR retinopathy. Identifiers: MedGen CN305589, MONDO:0100437.
Retinal dystrophy. Also called: Inherited retinal dystrophy. Identifiers: Orphanet 71862, MedGen C0854723, MeSH D058499, MONDO:0019118, HP:0000556.
Primary ciliary dyskinesia. Also called: Ciliary dyskinesia. Identifiers: Orphanet 244, MedGen C0008780, MONDO:0016575, HP:0012265.

Allele frequency attached by ClinVar (database versions not stated): ESP Exome Variant Server 0.09327; gnomAD 0.12023; TOPMed 0.12557; 1000 Genomes Project 30x 0.24891; 1000 Genomes Project 0.26119.
gnomAD v4.1: 137,291 of 1,208,940 alleles (11%); highest among the groups gnomAD compares: East Asian, 59%; 8,921 homozygotes.

Submissions (8):

ClinGen X-linked Inherited Retinal Disease Variant Curation Expert Panel, ClinGen
Classification: Benign for RPGR-related retinopathy. Last evaluated: 2026-11-20. Review status: reviewed by expert panel. Criteria: ClinGen X LinkedIRD ACMG Specifications RPGR V1.0.0. Collection method: curation. Allele origin: germline. Inheritance: X-linked inheritance.
Comment: The NM_001034853.2(RPGR):c.3396C>T (p.Asn1132=) benign variant is a common population variant located in the same position as a second common alternate allele. This allele is a synonymous variant in the transcript, isoform C in exon 15, and an intronic variant in isoform A. This variant is present in gnomAD v.4.1.2 at a frequency of 0.1179 among hemizygous individuals, with 46755 variant alleles / 396688 total hemizygous alleles, which is higher than the ClinGen X-linked IRD VCEP BA1 threshold of > 0.00005 (BA1). This silent variant c.3396C>T, causing a synonymous variant at codon 1132, does not have an impact on splicing sites according to Splice AI, which predicts a delta score of 0.00 for all delta types [acceptor loss, acceptor gain, donor gain, and donor loss], which is below the ClinGen X-linked IRD VCEP recommended threshold of <0.1 and does not strongly predict an impact on splicing (BP4, BP7). In summary, this variant is classified as Benign for RPGR-related retinopathy based on the ClinGen X-linked Inherited Retinal Disease Expert Panel Specifications to the ACMG/AMP Variant Interpretation Guidelines for RPGR, Version 1.0.0, using the following evidence codes: BA1, BP4, and BP7.

Labcorp Genetics (formerly Invitae), Labcorp
Classification: Benign for Primary ciliary dyskinesia. Last evaluated: 2026-02-04. Review status: criteria provided, single submitter. Criteria: Invitae Variant Classification Sherloc (09022015). Collection method: clinical testing. Allele origin: germline. Not counted in ClinVar's aggregate classification.

Blueprint Genetics
Classification: Benign. Last evaluated: 2024-11-28. Review status: criteria provided, single submitter. Criteria: ACMG Guidelines, 2015. Collection method: clinical testing. Allele origin: germline. Not counted in ClinVar's aggregate classification.

Dept Of Ophthalmology, Nagoya University
Classification: Benign for Retinal dystrophy. Last evaluated: 2023-10-01. Review status: criteria provided, single submitter. Criteria: Submitter's publication. Collection method: research. Allele origin: germline. Affected: yes. Not counted in ClinVar's aggregate classification.

PreventionGenetics, part of Exact Sciences
Classification: Benign. Last evaluated: 2021-08-27. Review status: criteria provided, single submitter. Criteria: ACMG Guidelines, 2015. Collection method: clinical testing. Allele origin: germline. Not counted in ClinVar's aggregate classification.

GeneDx
Classification: Benign. Last evaluated: 2018-04-26. Review status: criteria provided, single submitter. Criteria: GeneDx Variant Classification (06012015). Collection method: clinical testing. Allele origin: germline. Affected: yes. Not counted in ClinVar's aggregate classification.
Comment: This variant is considered likely benign or benign based on one or more of the following criteria: it is a conservative change, it occurs at a poorly conserved position in the protein, it is predicted to be benign by multiple in silico algorithms, and/or has population frequency not consistent with disease.

Breakthrough Genomics
Classification: Benign. Review status: criteria provided, single submitter. Criteria: ACMG Guidelines, 2015. Collection method: not provided. Allele origin: germline. Inheritance: X-linked inheritance. Affected: yes. Not counted in ClinVar's aggregate classification.

Department of Ophthalmology and Visual Sciences Kyoto University
Classification: Likely benign. Review status: no assertion criteria provided. Collection method: not provided. Allele origin: unknown. Not counted in ClinVar's aggregate classification.
ClinVar note: Converted during submission from probable-non-pathogenic to Likely benign.

NM_001034853.2(RPGR):c.3396C>T (p.Asn1132=)

Gene: RPGR (retinitis pigmentosa GTPase regulator; minus strand). Cytogenetic location: Xp11.4.
Variant type: single nucleotide variant.
Coding change: c.3396C>T on transcript NM_001034853.2 (MANE Select); coding-DNA position 3396, C replaced by T.
Protein change: p.Asn1132=; no amino-acid change (asparagine 1132 retained).
Molecular consequence: synonymous variant. On other transcripts: intron variant (8).
Genome position (GRCh38, 1-based): chrX:38,285,603, G>A on the plus strand (C>T on the coding strand, the complement: RPGR is on the minus strand). VCF-style: chrX-38285603-G-A. GRCh37 (hg19) VCF-style: chrX-38144856-G-A.
Other names: NM_001034853.2(RPGR):c.3396C>T; p.Asn1132=; c.1569+5356C>T (NM_001367249.1, NM_001367250.1); c.1902+1491C>T (NM_001367245.1); c.1386+5356C>T (NM_001367251.1); c.1719+1491C>T (NM_001367246.1); c.1572+5356C>T (NM_001367247.1); c.1905+1491C>T (NM_000328.3); and 1 more.
Identifiers: ClinVar variation 143091 (VCV000143091.17), dbSNP rs12687163, ClinGen allele CA232821.